The following is an entry in ClinVar:

NM_006121.4(KRT1):c.*91T>C

Gene: KRT1 (keratin 1; minus strand). Cytogenetic location: 12q13.13.
Variant type: single nucleotide variant.
Coding change: c.*91T>C on transcript NM_006121.4 (MANE Select); 91 bases downstream of the stop codon, T replaced by C.
Molecular consequence: 3 prime UTR variant.
Genome position (GRCh38, 1-based): chr12:52,675,102, A>G on the plus strand (T>C on the coding strand, the complement: KRT1 is on the minus strand). VCF-style: chr12-52675102-A-G. GRCh37 (hg19) VCF-style: chr12-53068886-A-G.
Identifiers: ClinVar variation 309635 (VCV000309635.5), dbSNP rs560913567, ClinGen allele CA10633220.

ClinVar aggregate classification (germline): Benign. Review status: criteria provided, single submitter (1 of 4 stars). 2 submissions from 1 submitter: Benign (2). Last evaluated 2018-01-13.

Conditions:
Epidermolytic ichthyosis. Also called: Congenital bullous ichthyosiform erythroderma; Bullous ichthyosiform erythroderma; Epidermolytic Hyperkeratosis; KRT10-Related Epidermolytic Hyperkeratosis. Identifiers: Orphanet 312, MedGen C0079153, MONDO:0007239, HP:0007475.
Diffuse nonepidermolytic palmoplantar keratoderma (NEPPK). Also called: Nonepidermolytic palmoplantar hyperkeratosis; Nonepidermolytic palmoplantar keratoderma. Identifiers: Orphanet 530838, MedGen C1833030, MONDO:0010962, OMIM 600962, HP:0007404.

Allele frequency attached by ClinVar (database versions not stated): gnomAD exomes 0.00007; 1000 Genomes Project 0.00060; 1000 Genomes Project 30x 0.00094; gnomAD 0.00096 and 0.00107; TOPMed 0.00105.

Submissions (2):

Illumina Laboratory Services, Illumina
Classification: Benign for Diffuse nonepidermolytic palmoplantar keratoderma. Last evaluated: 2018-01-13. Review status: criteria provided, single submitter. Criteria: ICSL Variant Classification Criteria 13 December 2019. Collection method: clinical testing. Allele origin: germline.
Comment: This variant was observed in the ICSL laboratory as part of a predisposition screen in an ostensibly healthy population. It had not been previously curated by ICSL or reported in the Human Gene Mutation Database (HGMD: prior to June 1st, 2018), and was therefore a candidate for classification through an automated scoring system. Utilizing variant allele frequency, disease prevalence and penetrance estimates, and inheritance mode, an automated score was calculated to assess if this variant is too frequent to cause the disease. Based on the score and internal cut-off values, a variant classified as benign is not then subjected to further curation. The score for this variant resulted in a classification of benign for this disease.

Illumina Laboratory Services, Illumina
Classification: Benign for Epidermolytic hyperkeratosis 1. Last evaluated: 2018-01-13. Review status: criteria provided, single submitter. Criteria: ICSL Variant Classification Criteria 13 December 2019. Collection method: clinical testing. Allele origin: germline.
Comment: the same text as in the submission from Illumina Laboratory Services, Illumina above.